The following is an entry in ClinVar:

ClinVar aggregate classification (germline): Likely benign (1 of 4 stars; one submission).

gnomAD v4.1: 259 of 1,205,854 alleles (0.021%); highest among the groups gnomAD compares: African/African-American, 0.41%; no homozygotes.

Submission:

CeGaT Center for Human Genetics Tuebingen
Classification: Likely benign. Last evaluated: 2026-02-01. Review status: criteria provided, single submitter. Criteria: CeGaT Center For Human Genetics Tuebingen Variant Classification Criteria Version 2. Collection method: clinical testing. Allele origin: germline. Affected: yes. Observed: 1 variant allele.
Comment: MID2: BS2

NM_012216.4(MID2):c.1637A>G (p.Lys546Arg)

Genes: MID2 (midline 2; plus strand), LOC101928335 (uncharacterized LOC101928335; minus strand). Cytogenetic location: Xq22.3.
Variant type: single nucleotide variant.
Coding change: c.1637A>G on transcript NM_012216.4 (MANE Select); coding-DNA position 1637, A replaced by G.
Protein change: p.Lys546Arg; replaces lysine 546 with arginine.
Molecular consequence: missense variant.
Genome position (GRCh38, 1-based): chrX:107,926,133, A>G. VCF-style: chrX-107926133-A-G. GRCh37 (hg19) VCF-style: chrX-107169363-A-G.
Other names: c.1577A>G, p.Lys526Arg (NM_001382751.1); c.1487A>G, p.Lys496Arg (NM_001382752.1); c.1547A>G, p.Lys516Arg (NM_052817.3); short protein forms K496R, K516R, K526R, K546R.
Identifiers: ClinVar variation 4820927 (VCV004820927.4).